The following is an entry in ClinVar:

NM_015450.3(POT1):c.910dup (p.Asp304fs)

Gene: POT1 (protection of telomeres 1; minus strand). Cytogenetic location: 7q31.33.
Variant type: Duplication.
Coding change: c.910dup on transcript NM_015450.3 (MANE Select); coding-DNA position 910, one base duplicated (G; older notation c.910dupG).
Protein change: p.Asp304fs; shifts the reading frame from aspartic acid 304.
Molecular consequence: frameshift variant. On other transcripts: non-coding transcript variant (3).
Genome position (GRCh38, 1-based): chr7:124,851,911, C duplicated on the plus strand (G on the coding strand, the reverse complement: POT1 is on the minus strand). VCF-style (leftmost placement, unchanged base first): chr7-124851910-T-TC. GRCh37 (hg19) VCF-style: chr7-124491964-T-TC.
Other names: c.517dup, p.Asp173fs (NM_001042594.2); short protein forms D173fs, D304fs.
Identifiers: ClinVar variation 2573128 (VCV002573128.4), dbSNP rs2485437077, ClinGen allele CA2580614253.

ClinVar aggregate classification (germline): Pathogenic/Likely pathogenic. Review status: criteria provided, multiple submitters, no conflicts (2 of 4 stars). 2 submissions from 2 submitters: Pathogenic (1); Likely pathogenic (1). Last evaluated 2023-10-26.

Conditions:
Tumor predisposition syndrome 3 (TPDS3). Also called: Glioma susceptibility 9; LONG TELOMERE SYNDROME, POT1-RELATED; POT1 Tumor Predisposition; Melanoma, cutaneous malignant, susceptibility to, 10. Identifiers: Orphanet 618, MedGen C4014476, MONDO:0014368, OMIM 615848.
High-grade astrocytoma with piloid features. Identifiers: MedGen C5670122, MONDO:0858958.

Submissions (2):

Labcorp Genetics (formerly Invitae), Labcorp
Classification: Pathogenic for Tumor predisposition syndrome 3. Last evaluated: 2023-10-26. Review status: criteria provided, single submitter. Criteria: Invitae Variant Classification Sherloc (09022015). Collection method: clinical testing. Allele origin: germline.
Comment: This sequence change creates a premature translational stop signal (p.Asp304Glyfs*9) in the POT1 gene. It is expected to result in an absent or disrupted protein product. Loss-of-function variants in POT1 are known to be pathogenic (PMID: 32155570). This variant is not present in population databases (gnomAD no frequency). This variant has not been reported in the literature in individuals affected with POT1-related conditions. ClinVar contains an entry for this variant (Variation ID: 2573128). For these reasons, this variant has been classified as Pathogenic.

Laboratory of Medical Genetics Unit, Bambino Gesù Children's Hospital
Classification: Likely pathogenic for High-grade astrocytoma with piloid features. Last evaluated: 2021-05-26. Review status: criteria provided, single submitter. Criteria: ACMG Guidelines, 2015. Collection method: research. Allele origin: germline. Affected: yes. Observed: 1 heterozygote.

Literature cited by the submitters: PubMed 32155570 (cited by Labcorp Genetics (formerly Invitae), Labcorp).